The following is an entry in ClinVar:

ClinVar aggregate classification (germline): Uncertain significance (1 of 4 stars; one submission).

Conditions:
Severe early-onset pulmonary alveolar proteinosis due to MARS deficiency. Also called: PULMONARY ALVEOLAR PROTEINOSIS, REUNION ISLAND; Interstitial lung and liver disease. Identifiers: Orphanet 440427, MedGen C4225400, MONDO:0014206, OMIM 615486.
Charcot-Marie-Tooth disease axonal type 2U. Also called: CHARCOT-MARIE-TOOTH NEUROPATHY, TYPE 2U; CHARCOT-MARIE-TOOTH DISEASE, AXONAL, AUTOSOMAL DOMINANT, TYPE 2U. Identifiers: Orphanet 397735, MedGen C4084821, MONDO:0014566, OMIM 616280.

Submission:

Labcorp Genetics (formerly Invitae), Labcorp
Classification: Uncertain significance for Charcot-Marie-Tooth disease axonal type 2U; Severe early-onset pulmonary alveolar proteinosis due to MARS deficiency. Last evaluated: 2023-08-01. Review status: criteria provided, single submitter. Criteria: Invitae Variant Classification Sherloc (09022015). Collection method: clinical testing. Allele origin: germline.
Comment: In summary, the available evidence is currently insufficient to determine the role of this variant in disease. Therefore, it has been classified as a Variant of Uncertain Significance. This variant has not been reported in the literature in individuals affected with MARS-related conditions. This variant is a gross deletion of the genomic region encompassing exon(s) 10 of the MARS gene. This deletion is out-of-frame, and is expected to create a premature translational stop signal and result in an absent or disrupted protein product. However, the current clinical and genetic evidence is not sufficient to establish whether loss-of-function variants in MARS cause disease.

NC_000012.11:g.(?_57894084)_(57894325_?)del

Gene: MARS1 (methionyl-tRNA synthetase 1; plus strand). Cytogenetic location: 12q13.3.
Variant type: Deletion.
Identifiers: ClinVar variation 2425256 (VCV002425256.4).